The following is an entry in ClinVar:

NM_000441.2(SLC26A4):c.416-7del

Gene: SLC26A4 (solute carrier family 26 member 4; plus strand). Cytogenetic location: 7q22.3.
Variant type: Deletion.
Coding change: c.416-7del on transcript NM_000441.2 (MANE Select); 7 bases into the intron before coding-DNA position 416, one base deleted (T; older notation c.416-7delT).
Molecular consequence: intron variant.
Genome position (GRCh38, 1-based): chr7:107,674,157, T deleted; the last of 7 consecutive T bases (chr7:107,674,151-107,674,157); deleting any one gives the same sequence. VCF-style (leftmost placement, unchanged base first): chr7-107674150-CT-C. GRCh37 (hg19) VCF-style: chr7-107314595-CT-C.
Other names: c.416-7delT (NM_000441.2, NM_000441.1).
Identifiers: ClinVar variation 1214249 (VCV001214249.9), dbSNP rs765579453, ClinGen allele CA4432469.

ClinVar aggregate classification (germline): Benign/Likely benign. Review status: criteria provided, multiple submitters, no conflicts (2 of 4 stars). 5 submissions from 5 submitters: Benign (1); Likely benign (4). Last evaluated 2026-03-17.

Conditions:
SLC26A4-related disorder. Also called: SLC26A4-related condition; SLC26A4-related disorders.

Submissions (5):

PreventionGenetics, part of Exact Sciences
Classification: Likely benign for SLC26A4-related condition. Last evaluated: 2026-03-17. Review status: criteria provided, single submitter. Criteria: ACMG Guidelines, 2015. Collection method: clinical testing. Allele origin: germline.
Comment: This variant is classified as likely benign based on ACMG/AMP sequence variant interpretation guidelines (Richards et al. 2015 PMID: 25741868, with internal and published modifications).

Labcorp Genetics (formerly Invitae), Labcorp
Classification: Benign. Last evaluated: 2025-12-27. Review status: criteria provided, single submitter. Criteria: Invitae Variant Classification Sherloc (09022015). Collection method: clinical testing. Allele origin: germline.

Women's Health and Genetics/Laboratory Corporation of America, LabCorp
Classification: Likely benign. Last evaluated: 2024-09-30. Review status: criteria provided, single submitter. Criteria: LabCorp Variant Classification Summary - May 2015. Collection method: clinical testing. Allele origin: germline.
Comment: Variant summary: SLC26A4 c.416-7delT alters a non-conserved nucleotide located close to a canonical splice site and therefore could affect mRNA splicing, leading to a significantly altered protein sequence. Consensus agreement among computation tools predict no significant impact on normal splicing. However, these predictions have yet to be confirmed by functional studies. The variant allele was found at a frequency of 8.4e-05 in 1613034 control chromosomes (gnomAD v.4.1.0). To our knowledge, no occurrence of c.416-7delT in individuals affected with Pendred Syndrome and no experimental evidence demonstrating its impact on protein function have been reported. ClinVar contains an entry for this variant (Variation ID: 1214249). Based on the evidence outlined above, the variant was classified as likely benign.

Blueprint Genetics
Classification: Likely benign. Last evaluated: 2024-09-10. Review status: criteria provided, single submitter. Criteria: ACMG Guidelines, 2015. Collection method: clinical testing. Allele origin: germline.

GeneDx
Classification: Likely benign. Last evaluated: 2020-04-01. Review status: criteria provided, single submitter. Criteria: GeneDx Variant Classification Process June 2021. Collection method: clinical testing. Allele origin: germline. Affected: yes.